The following is an entry in ClinVar:

ClinVar aggregate classification (germline): Conflicting classifications of pathogenicity. Review status: criteria provided, conflicting classifications (1 of 4 stars). 3 submissions from 3 submitters: Uncertain significance (2); Likely benign (1). Last evaluated 2026-02-03.

Conditions:
Hereditary cancer-predisposing syndrome. Also called: Hereditary Cancer Syndrome; Hereditary neoplastic syndrome; Neoplastic Syndromes, Hereditary; Tumor predisposition. Identifiers: Orphanet 140162, MedGen C0027672, MeSH D009386, MONDO:0015356.
Oligodontia-cancer predisposition syndrome. Also called: TOOTH AGENESIS-COLORECTAL CANCER SYNDROME. Identifiers: Orphanet 300576, MedGen C1837750, MONDO:0012075, OMIM 608615. Disease mechanism: loss of function.

Allele frequency attached by ClinVar (database versions not stated): gnomAD 0.00002; TOPMed 0.00002.
gnomAD v4.1: 5 of 1,608,286 alleles (0.00031%); highest among the groups gnomAD compares: Non-Finnish European, 0.00042%; no homozygotes.

Submissions (3):

Labcorp Genetics (formerly Invitae), Labcorp
Classification: Uncertain significance for Oligodontia-cancer predisposition syndrome. Last evaluated: 2026-02-03. Review status: criteria provided, single submitter. Criteria: Invitae Variant Classification Sherloc (09022015). Collection method: clinical testing. Allele origin: germline.
Comment: This sequence change replaces valine, which is neutral and non-polar, with leucine, which is neutral and non-polar, at codon 7 of the AXIN2 protein (p.Val7Leu). This variant is not present in population databases (gnomAD no frequency). This variant has not been reported in the literature in individuals affected with AXIN2-related conditions. ClinVar contains an entry for this variant (Variation ID: 408786). An algorithm developed to predict the effect of missense changes on protein structure and function (PolyPhen-2) suggests that this variant is likely to be tolerated. In summary, the available evidence is currently insufficient to determine the role of this variant in disease. Therefore, it has been classified as a Variant of Uncertain Significance.

Ambry Genetics
Classification: Likely benign for Hereditary cancer-predisposing syndrome. Last evaluated: 2025-10-27. Review status: criteria provided, single submitter. Criteria: Ambry Variant Classification Scheme 2023. Collection method: clinical testing. Allele origin: germline.

GeneDx
Classification: Uncertain significance. Last evaluated: 2023-03-22. Review status: criteria provided, single submitter. Criteria: GeneDx Variant Classification Process June 2021. Collection method: clinical testing. Allele origin: germline. Affected: yes.
Comment: Not observed at significant frequency in large population cohorts (gnomAD); In silico analysis supports that this missense variant does not alter protein structure/function; Has not been previously published as pathogenic or benign to our knowledge

NM_004655.4(AXIN2):c.19G>T (p.Val7Leu)

Gene: AXIN2 (axin 2; minus strand). Cytogenetic location: 17q24.1.
Variant type: single nucleotide variant.
Coding change: c.19G>T on transcript NM_004655.4 (MANE Select); coding-DNA position 19, G replaced by T.
Protein change: p.Val7Leu; replaces valine 7 with leucine.
Molecular consequence: missense variant.
Genome position (GRCh38, 1-based): chr17:65,558,602, C>A on the plus strand (G>T on the coding strand, the complement: AXIN2 is on the minus strand). VCF-style: chr17-65558602-C-A. GRCh37 (hg19) VCF-style: chr17-63554720-C-A.
Other names: c.19G>T, p.Val7Leu (NM_001363813.1); c.19G>T (LRG_296t1); short protein forms V7L.
Identifiers: ClinVar variation 408786 (VCV000408786.15), dbSNP rs878854723, ClinGen allele CA16615660.
Genomic context (GRCh38, chr17:65,558,602, plus strand): 5'-GCACTGGGGGCCGCGGGGCATCCTCACGGAAGCTGCTGCTGGGGTCCGGGAGGCAAGTCA[C>A]CAACATAGCGCTACTCATGGTGAGGGAGCTCTTCCCACTGAGTCTGGGAATTTTTCTTCT-3'
Protein context (NP_004646.3, residues 1-17): MSSAML[Val7Leu]TCLPDPSSSF